The following is an entry in ClinVar:

ClinVar aggregate classification (germline): Uncertain significance. Review status: criteria provided, multiple submitters, no conflicts (2 of 4 stars). 4 submissions from 4 submitters: Uncertain significance (4). Last evaluated 2025-03-25.

Conditions:
Emery-Dreifuss muscular dystrophy 4, autosomal dominant (EDMD4). Also called: EMERY-DREIFUSS MUSCULAR DYSTROPHY 4 WITH VARIABLE FEATURES. Identifiers: Orphanet 261, MedGen C2751807, MONDO:0013071, OMIM 612998.
Autosomal recessive ataxia, Beauce type. Also called: Spinocerebellar ataxia, autosomal recessive 8; ATAXIA, RECESSIVE, OF BEAUCE; SYNE1-Related Autosomal Recessive Cerebellar Ataxia; SYNE1 Deficiency. Identifiers: Orphanet 88644, MedGen C1853116, MONDO:0012549, OMIM 610743.

Allele frequency attached by ClinVar (database versions not stated): gnomAD exomes 0.00001 and 0.00002; ExAC 0.00002; TOPMed 0.00002; gnomAD 0.00003; ESP Exome Variant Server 0.00015.
gnomAD v4.1: 28 of 1,614,010 alleles (0.0017%); highest among the groups gnomAD compares: Non-Finnish European, 0.0022%; no homozygotes.

Submissions (4):

Women's Health and Genetics/Laboratory Corporation of America, LabCorp
Classification: Uncertain significance. Last evaluated: 2025-03-25. Review status: criteria provided, single submitter. Criteria: LabCorp Variant Classification Summary - May 2015. Collection method: clinical testing. Allele origin: germline.
Comment: Variant summary: SYNE1 c.7005G>A (p.Met2335Ile) results in a conservative amino acid change in the encoded protein sequence. Five of five in-silico tools predict a benign effect of the variant on protein function. The variant allele was found at a frequency of 1.2e-05 in 251276 control chromosomes. The available data on variant occurrences in the general population are insufficient to allow any conclusion about variant significance. To our knowledge, no occurrence of c.7005G>A in individuals affected with Autosomal recessive ataxia, Beauce type and no experimental evidence demonstrating its impact on protein function have been reported. ClinVar contains an entry for this variant (Variation ID: 448608). Based on the evidence outlined above, the variant was classified as uncertain significance.

Labcorp Genetics (formerly Invitae), Labcorp
Classification: Uncertain significance for Emery-Dreifuss muscular dystrophy 4, autosomal dominant; Autosomal recessive ataxia, Beauce type. Last evaluated: 2023-09-04. Review status: criteria provided, single submitter. Criteria: Invitae Variant Classification Sherloc (09022015). Collection method: clinical testing. Allele origin: germline.
Comment: In summary, the available evidence is currently insufficient to determine the role of this variant in disease. Therefore, it has been classified as a Variant of Uncertain Significance. An algorithm developed to predict the effect of missense changes on protein structure and function (PolyPhen-2) suggests that this variant is likely to be tolerated. ClinVar contains an entry for this variant (Variation ID: 448608). This variant has not been reported in the literature in individuals affected with SYNE1-related conditions. This variant is present in population databases (rs372524102, gnomAD 0.003%). This sequence change replaces methionine, which is neutral and non-polar, with isoleucine, which is neutral and non-polar, at codon 2335 of the SYNE1 protein (p.Met2335Ile).

Revvity Omics, Revvity
Classification: Uncertain significance. Last evaluated: 2019-08-05. Review status: criteria provided, single submitter. Criteria: ACMG Guidelines, 2015. Collection method: clinical testing. Allele origin: germline.

Athena Diagnostics
Classification: Uncertain significance. Last evaluated: 2018-06-27. Review status: criteria provided, single submitter. Criteria: Athena Diagnostics Criteria. Collection method: clinical testing. Allele origin: germline.

NM_182961.4(SYNE1):c.6984G>A (p.Met2328Ile)

Gene: SYNE1 (spectrin repeat containing nuclear envelope protein 1; minus strand). Cytogenetic location: 6q25.2.
Variant type: single nucleotide variant.
Coding change: c.6984G>A on transcript NM_182961.4 (MANE Select); coding-DNA position 6984, G replaced by A.
Protein change: p.Met2328Ile; replaces methionine 2328 with isoleucine.
Molecular consequence: missense variant.
Genome position (GRCh38, 1-based): chr6:152,401,183, C>T on the plus strand (G>A on the coding strand, the complement: SYNE1 is on the minus strand). VCF-style: chr6-152401183-C-T. GRCh37 (hg19) VCF-style: chr6-152722318-C-T.
Other names: c.7005G>A, p.Met2335Ile (NM_033071.5); short protein forms M2328I, M2335I.
Identifiers: ClinVar variation 448608 (VCV000448608.14), dbSNP rs372524102, ClinGen allele CA4057949.